The following is an entry in ClinVar:

NM_000203.5(IDUA):c.1334A>G (p.Asp445Gly)

Gene: IDUA (alpha-L-iduronidase; plus strand). Cytogenetic location: 4p16.3.
Variant type: single nucleotide variant.
Coding change: c.1334A>G on transcript NM_000203.5 (MANE Select); coding-DNA position 1334, A replaced by G.
Protein change: p.Asp445Gly; replaces aspartic acid 445 with glycine.
Molecular consequence: missense variant. On other transcripts: non-coding transcript variant (1).
Genome position (GRCh38, 1-based): chr4:1,002,876, A>G. VCF-style: chr4-1002876-A-G. GRCh37 (hg19) VCF-style: chr4-996664-A-G.
Other names: c.938A>G, p.Asp313Gly (NM_001363576.1); short protein forms D313G, D445G.
Identifiers: ClinVar variation 2432745 (VCV002432745.5), dbSNP rs1715189170, ClinGen allele CA355964054.

ClinVar aggregate classification (germline): Uncertain significance. Review status: criteria provided, multiple submitters, no conflicts (2 of 4 stars). 2 submissions from 2 submitters: Uncertain significance (2). Last evaluated 2023-11-19.

Conditions:
Mucopolysaccharidosis type 1. Also called: IDUA deficiency; MPS I. Identifiers: Orphanet 579, MedGen C0023786, MONDO:0001586.

Allele frequency attached by ClinVar (database versions not stated): TOPMed below 0.00001.

Submissions (2):

Labcorp Genetics (formerly Invitae), Labcorp
Classification: Uncertain significance for Mucopolysaccharidosis type 1. Last evaluated: 2023-11-19. Review status: criteria provided, single submitter. Criteria: Invitae Variant Classification Sherloc (09022015). Collection method: clinical testing. Allele origin: germline.
Comment: This sequence change replaces aspartic acid, which is acidic and polar, with glycine, which is neutral and non-polar, at codon 445 of the IDUA protein (p.Asp445Gly). This variant is not present in population databases (gnomAD no frequency). This variant has not been reported in the literature in individuals affected with IDUA-related conditions. ClinVar contains an entry for this variant (Variation ID: 2432745). Advanced modeling of protein sequence and biophysical properties (such as structural, functional, and spatial information, amino acid conservation, physicochemical variation, residue mobility, and thermodynamic stability) has been performed at Invitae for this missense variant, however the output from this modeling did not meet the statistical confidence thresholds required to predict the impact of this variant on IDUA protein function. In summary, the available evidence is currently insufficient to determine the role of this variant in disease. Therefore, it has been classified as a Variant of Uncertain Significance.

Revvity Omics, Revvity
Classification: Uncertain significance. Last evaluated: 2021-02-13. Review status: criteria provided, single submitter. Criteria: ACMG Guidelines, 2015. Collection method: clinical testing. Allele origin: germline.